The following is an entry in ClinVar:

ClinVar aggregate classification (germline): Likely pathogenic (1 of 4 stars; one submission).

Conditions:
Developmental delay, behavioral abnormalities, and neuropsychiatric disorders (DEDBANP). Identifiers: MedGen C5774224, MONDO:0859292, OMIM 620065.

Submission:

Genetics Laboratory, UDIAT-Centre Diagnòstic, Hospital Universitari Parc Tauli
Classification: Likely pathogenic for developmental delay, behavioral abnormalities, and neuropsychiatric disorders. Last evaluated: 2024-07-18. Review status: criteria provided, single submitter. Criteria: ACMG Guidelines, 2015. Collection method: clinical testing. Allele origin: unknown. Inheritance: Autosomal dominant inheritance. Affected: yes.
Comment: PVS1_very strong;PM2_supporting

NM_014921.5(ADGRL1):c.446_447del (p.His149fs)

Genes: ADGRL1 (adhesion G protein-coupled receptor L1; minus strand), ADGRL1-AS1 (ADGRL1 antisense RNA 1; plus strand). Cytogenetic location: 19p13.12.
Variant type: Microsatellite.
Coding change: c.446_447del on transcript NM_014921.5 (MANE Select); coding-DNA positions 446 to 447, 2 bases deleted (AC; older notation c.446_447delAC).
Protein change: p.His149fs; shifts the reading frame from histidine 149.
Molecular consequence: frameshift variant.
Genome position (GRCh38, 1-based): chr19:14,163,354-14,163,355, GT deleted on the plus strand (AC on the coding strand, the reverse complement: ADGRL1 is on the minus strand); deleting any 2 consecutive bases within chr19:14,163,354-14,163,359 gives the same sequence; the c. name uses the placement nearest the transcript's 3' end. VCF-style (leftmost placement, unchanged base first): chr19-14163353-CGT-C. GRCh37 (hg19) VCF-style: chr19-14274165-CGT-C.
Other names: c.461_462del, p.His154fs (NM_001008701.3); short protein forms H149fs, H154fs.
Identifiers: ClinVar variation 3897576 (VCV003897576.1).